The following is an entry in ClinVar:

NM_016239.4(MYO15A):c.8170G>A (p.Glu2724Lys)

Gene: MYO15A (myosin XVA; plus strand). Cytogenetic location: 17p11.2.
Variant type: single nucleotide variant.
Coding change: c.8170G>A on transcript NM_016239.4 (MANE Select); coding-DNA position 8170, G replaced by A.
Protein change: p.Glu2724Lys; replaces glutamic acid 2724 with lysine.
Molecular consequence: missense variant.
Genome position (GRCh38, 1-based): chr17:18,154,701, G>A. VCF-style: chr17-18154701-G-A. GRCh37 (hg19) VCF-style: chr17-18058015-G-A.
Other names: short protein forms E2724K.
Identifiers: ClinVar variation 164554 (VCV000164554.10), dbSNP rs142465521, ClinGen allele CA177255.

ClinVar aggregate classification (germline): Conflicting classifications of pathogenicity. Review status: criteria provided, conflicting classifications (1 of 4 stars). 5 submissions from 5 submitters: Uncertain significance (4); Likely benign (1). Last evaluated 2026-05-04.

Conditions:
MYO15A-related disorder. Also called: MYO15A-related condition.
Inborn genetic diseases. Identifiers: MedGen C0950123, MeSH D030342.
Autosomal recessive nonsyndromic hearing loss 3. Also called: NEUROSENSORY NONSYNDROMIC RECESSIVE DEAFNESS 3. Identifiers: Orphanet 90636, MedGen C1838263, MONDO:0010860, OMIM 600316.

Allele frequency attached by ClinVar (database versions not stated): gnomAD 0.00005; TOPMed 0.00005.
gnomAD v4.1: 113 of 1,613,540 alleles (0.007%); highest among the groups gnomAD compares: East Asian, 0.036%; no homozygotes.

Submissions (5):

PreventionGenetics, part of Exact Sciences
Classification: Uncertain significance for MYO15A-related condition. Last evaluated: 2026-05-04. Review status: criteria provided, single submitter. Criteria: ACMG Guidelines, 2015. Collection method: clinical testing. Allele origin: germline.
Comment: The MYO15A c.8170G>A variant is predicted to result in the amino acid substitution p.Glu2724Lys. To our knowledge, this variant has not been reported in the literature. This variant is reported in 0.077% of alleles in individuals of East Asian descent in gnomAD. Although we suspect that this variant may be benign, at this time, the clinical significance of this variant is uncertain due to the absence of conclusive functional and genetic evidence.

Labcorp Genetics (formerly Invitae), Labcorp
Classification: Likely benign. Last evaluated: 2026-01-09. Review status: criteria provided, single submitter. Criteria: Invitae Variant Classification Sherloc (09022015). Collection method: clinical testing. Allele origin: germline.

Ambry Genetics
Classification: Uncertain significance for Inborn genetic diseases. Last evaluated: 2024-03-30. Review status: criteria provided, single submitter. Criteria: Ambry Variant Classification Scheme 2023. Collection method: clinical testing. Allele origin: germline.

Fulgent Genetics
Classification: Uncertain significance for Autosomal recessive nonsyndromic hearing loss 3. Last evaluated: 2021-09-22. Review status: criteria provided, single submitter. Criteria: ACMG Guidelines, 2015. Collection method: clinical testing. Allele origin: unknown.

Laboratory for Molecular Medicine, Mass General Brigham Personalized Medicine
Classification: Uncertain significance. Last evaluated: 2014-02-07. Review status: criteria provided, single submitter. Criteria: LMM Criteria. Collection method: clinical testing. Allele origin: germline. Observed: 1 variant allele.
Comment: The Glu2724Lys variant in MYO15A has not been previously reported in individuals with hearing loss or in large population studies. Computational analyses (bioc hemical amino acid properties, conservation, AlignGVGD, PolyPhen2, and SIFT) do not provide strong support for or against an impact to the protein. In summary, additional information is needed to fully assess the clinical significance of th is variant.